The following is an entry in ClinVar:

ClinVar aggregate classification (germline): Likely benign. Review status: criteria provided, multiple submitters, no conflicts (2 of 4 stars). 5 submissions from 5 submitters: Likely benign (5). Last evaluated 2026-01-20.

Conditions:
Charcot-Marie-Tooth disease type 2. Also called: Charcot-Marie-Tooth type 2. Identifiers: Orphanet 64746, MedGen C0270914, MONDO:0018993.
Charcot-Marie-Tooth disease axonal type 2N (CMT2N). Also called: Charcot-Marie-Tooth Neuropathy Type 2N; CHARCOT-MARIE-TOOTH DISEASE, AXONAL, AUTOSOMAL DOMINANT, TYPE 2N; CHARCOT-MARIE-TOOTH NEUROPATHY, AXONAL, TYPE 2N. Identifiers: Orphanet 228174, MedGen C2750090, MONDO:0013212, OMIM 613287.

Allele frequency attached by ClinVar (database versions not stated): TOPMed 0.00010; gnomAD 0.00012 and 0.00013; 1000 Genomes Project 0.00020; ExAC 0.00023; gnomAD exomes 0.00025.
gnomAD v4.1: 320 of 1,614,142 alleles (0.02%); highest among the groups gnomAD compares: South Asian, 0.16%; 3 homozygotes.

Submissions (5):

Labcorp Genetics (formerly Invitae), Labcorp
Classification: Likely benign for Charcot-Marie-Tooth disease type 2. Last evaluated: 2026-01-20. Review status: criteria provided, single submitter. Criteria: Invitae Variant Classification Sherloc (09022015). Collection method: clinical testing. Allele origin: germline.

Women's Health and Genetics/Laboratory Corporation of America, LabCorp
Classification: Likely benign. Last evaluated: 2025-09-03. Review status: criteria provided, single submitter. Criteria: LabCorp Variant Classification Summary - May 2015. Collection method: clinical testing. Allele origin: germline.
Comment: Variant summary: AARS1 c.1671+10C>T alters a non-conserved nucleotide located at a position not widely known to affect splicing. Consensus agreement among computation tools predict no significant impact on normal splicing. However, these predictions have yet to be confirmed by functional studies. The variant allele was found at a frequency of 0.00024 in 282818 control chromosomes. This frequency is not significantly higher than estimated for disease-causing variants in AARS1, allowing no conclusion about variant significance. To our knowledge, no occurrence of c.1671+10C>T in individuals affected with AARS1-related conditions and no experimental evidence demonstrating its impact on protein function have been reported. ClinVar contains an entry for this variant (Variation ID: 390405). Based on the evidence outlined above, the variant was classified as likely benign.

Blueprint Genetics
Classification: Likely benign. Last evaluated: 2024-11-11. Review status: criteria provided, single submitter. Criteria: ACMG Guidelines, 2015. Collection method: clinical testing. Allele origin: germline.

GeneDx
Classification: Likely benign. Last evaluated: 2018-04-26. Review status: criteria provided, single submitter. Criteria: GeneDx Variant Classification Process June 2021. Collection method: clinical testing. Allele origin: germline. Affected: yes.

Illumina Laboratory Services, Illumina
Classification: Likely benign for Charcot-Marie-Tooth disease axonal type 2N. Last evaluated: 2018-01-12. Review status: criteria provided, single submitter. Criteria: ICSL Variant Classification Criteria 13 December 2019. Collection method: clinical testing. Allele origin: germline.
Comment: This variant was observed in the ICSL laboratory as part of a predisposition screen in an ostensibly healthy population. It had not been previously curated by ICSL or reported in the Human Gene Mutation Database (HGMD: prior to June 1st, 2018), and was therefore a candidate for classification through an automated scoring system. Utilizing variant allele frequency, disease prevalence and penetrance estimates, and inheritance mode, an automated score was calculated to assess if this variant is too frequent to cause the disease. Based on the score and internal cut-off values, a variant classified as likely benign is not then subjected to further curation. The score for this variant resulted in a classification of likely benign for this disease.

NM_001605.3(AARS1):c.1671+10C>T

Gene: AARS1 (alanyl-tRNA synthetase 1; minus strand). Cytogenetic location: 16q22.1.
Variant type: single nucleotide variant.
Coding change: c.1671+10C>T on transcript NM_001605.3 (MANE Select); 10 bases into the intron after coding-DNA position 1671, C replaced by T.
Molecular consequence: intron variant.
Genome position (GRCh38, 1-based): chr16:70,262,336, G>A on the plus strand (C>T on the coding strand, the complement: AARS1 is on the minus strand). VCF-style: chr16-70262336-G-A. GRCh37 (hg19) VCF-style: chr16-70296239-G-A.
Identifiers: ClinVar variation 390405 (VCV000390405.19), dbSNP rs184240527, ClinGen allele CA8140736.